The following is an entry in ClinVar:

ClinVar aggregate classification (germline): Uncertain significance. Review status: criteria provided, multiple submitters, no conflicts (2 of 4 stars). 2 submissions from 2 submitters: Uncertain significance (2). Last evaluated 2025-08-20.

Allele frequency attached by ClinVar (database versions not stated): 1000 Genomes Project 30x 0.00016; TOPMed 0.00002; ExAC 0.00003; gnomAD exomes 0.00001; gnomAD 0.00003; 1000 Genomes Project 0.00020.
gnomAD v4.1: 13 of 1,614,118 alleles (0.00081%); highest among the groups gnomAD compares: East Asian, 0.027%; no homozygotes.

Submissions (2):

Labcorp Genetics (formerly Invitae), Labcorp
Classification: Uncertain significance. Last evaluated: 2025-08-20. Review status: criteria provided, single submitter. Criteria: Invitae Variant Classification Sherloc (09022015). Collection method: clinical testing. Allele origin: germline.
Comment: This sequence change replaces alanine, which is neutral and non-polar, with valine, which is neutral and non-polar, at codon 392 of the CLCN6 protein (p.Ala392Val). This variant is present in population databases (rs538154661, gnomAD 0.06%). This variant has not been reported in the literature in individuals affected with CLCN6-related conditions. ClinVar contains an entry for this variant (Variation ID: 2508177). An algorithm developed to predict the effect of missense changes on protein structure and function (PolyPhen-2) suggests that this variant is likely to be disruptive. In summary, the available evidence is currently insufficient to determine the role of this variant in disease. Therefore, it has been classified as a Variant of Uncertain Significance.

Ambry Genetics
Classification: Uncertain significance. Last evaluated: 2023-06-02. Review status: criteria provided, single submitter. Criteria: Ambry Variant Classification Scheme 2023. Collection method: clinical testing. Allele origin: germline.

NM_001286.5(CLCN6):c.1175C>T (p.Ala392Val)

Gene: CLCN6 (Cl-/H+ antiporter 6; plus strand). Cytogenetic location: 1p36.22.
Variant type: single nucleotide variant.
Coding change: c.1175C>T on transcript NM_001286.5 (MANE Select); coding-DNA position 1175, C replaced by T.
Protein change: p.Ala392Val; replaces alanine 392 with valine.
Molecular consequence: missense variant. On other transcripts: non-coding transcript variant (1).
Genome position (GRCh38, 1-based): chr1:11,829,249, C>T. VCF-style: chr1-11829249-C-T. GRCh37 (hg19) VCF-style: chr1-11889306-C-T.
Other names: c.1109C>T, p.Ala370Val (NM_001256959.2); short protein forms A370V, A392V.
Identifiers: ClinVar variation 2508177 (VCV002508177.4), dbSNP rs538154661, ClinGen allele CA596381.